The following is an entry in ClinVar:

ClinVar aggregate classification (germline): Benign. Review status: criteria provided, multiple submitters, no conflicts (2 of 4 stars). 3 submissions from 3 submitters: Benign (3). Last evaluated 2026-02-02.

Allele frequency attached by ClinVar (database versions not stated): 1000 Genomes Project 0.05811; gnomAD 0.08661 and 0.08715; 1000 Genomes Project 30x 0.05809; gnomAD exomes 0.09730 and 0.11676; ExAC 0.10606; TOPMed 0.07709; ESP Exome Variant Server 0.08927.
gnomAD v4.1: 183,112 of 1,612,666 alleles (11%); highest among the groups gnomAD compares: Non-Finnish European, 13%; 11,241 homozygotes.

Submissions (3):

Labcorp Genetics (formerly Invitae), Labcorp
Classification: Benign. Last evaluated: 2026-02-02. Review status: criteria provided, single submitter. Criteria: Invitae Variant Classification Sherloc (09022015). Collection method: clinical testing. Allele origin: germline.

GeneDx
Classification: Benign. Last evaluated: 2018-06-08. Review status: criteria provided, single submitter. Criteria: GeneDx Variant Classification (06012015). Collection method: clinical testing. Allele origin: germline. Affected: yes.
Comment: This variant is considered likely benign or benign based on one or more of the following criteria: it is a conservative change, it occurs at a poorly conserved position in the protein, it is predicted to be benign by multiple in silico algorithms, and/or has population frequency not consistent with disease.

Breakthrough Genomics
Classification: Benign. Review status: criteria provided, single submitter. Criteria: ACMG Guidelines, 2015. Collection method: not provided. Allele origin: germline. Inheritance: Autosomal recessive inheritance. Affected: yes.

NM_001080477.4(TENM3):c.5391G>A (p.Leu1797=)

Gene: TENM3 (teneurin transmembrane protein 3; plus strand). Cytogenetic location: 4q35.1.
Variant type: single nucleotide variant.
Coding change: c.5391G>A on transcript NM_001080477.4 (MANE Select); coding-DNA position 5391, G replaced by A.
Protein change: p.Leu1797=; no amino-acid change (leucine 1797 retained).
Molecular consequence: synonymous variant.
Genome position (GRCh38, 1-based): chr4:182,789,179, G>A. VCF-style: chr4-182789179-G-A. GRCh37 (hg19) VCF-style: chr4-183710332-G-A.
Identifiers: ClinVar variation 677290 (VCV000677290.10), dbSNP rs61736044, ClinGen allele CA3148621.